The following is an entry in ClinVar:

ClinVar aggregate classification (germline): Likely pathogenic (1 of 4 stars; one submission).

Conditions:
Neurofibromatosis, type 1 (NF1). Also called: Neurofibromatosis, type I; Peripheral type neurofibromatosis; VON RECKLINGHAUSEN DISEASE; NEUROFIBROMATOSIS, TYPE I, SOMATIC. Identifiers: Orphanet 636, MedGen C0027831, MONDO:0018975, OMIM 162200. Disease mechanism: loss of function.

Submission:

Labcorp Genetics (formerly Invitae), Labcorp
Classification: Likely pathogenic for Neurofibromatosis, type 1. Last evaluated: 2019-10-29. Review status: criteria provided, single submitter. Criteria: Invitae Variant Classification Sherloc (09022015). Collection method: clinical testing. Allele origin: germline.
Comment: This variant results in the deletion of part of exon 11 (c.1251_1260+25del) of the NF1 gene. It is expected to disrupt RNA splicing and likely results in an absent or disrupted protein product. This variant has not been reported in the literature in individuals with NF1-related conditions. Loss-of-function variants in NF1 are known to be pathogenic (PMID: 10712197, 23913538). In summary, the currently available evidence indicates that the variant is pathogenic, but additional data are needed to prove that conclusively. Therefore, this variant has been classified as Likely Pathogenic.

Literature cited by the submitters: PubMed 10712197; PubMed 23913538.

NM_001042492.3(NF1):c.1251_1260+25del

Gene: NF1 (neurofibromin 1; plus strand). Cytogenetic location: 17q11.2.
Variant type: Deletion.
Coding change: c.1251_1260+25del on transcript NM_001042492.3 (MANE Select); coding-DNA position 1251 through 25 bases into the intron after coding-DNA position 1260, 35 bases deleted.
Molecular consequence: splice donor variant.
Genome position (GRCh38, 1-based): chr17:31,201,476-31,201,510, 35 bases deleted; deleting any 35 consecutive bases within chr17:31,201,473-31,201,510 gives the same sequence; the c. name uses the placement nearest the transcript's 3' end. GRCh37 (hg19): chr17:29,528,494-29,528,528.
Other names: c.1251_1260+25del (NM_000267.4, NM_001128147.3).
Identifiers: ClinVar variation 969133 (VCV000969133.6), dbSNP rs2066528976, ClinGen allele CA1139665318.
Genomic context (GRCh38, chr17:31,201,472, plus strand): 5'-TCTGCCTGGCTCAGAATTCACCTTCTACATTTCACTATGTGCTGGTAAATTCACTCCATC[GAATCATCACCAATGTAAGTCCAAAAGGTATTGCTA>G]AATTACTAAAAAAATTTTTTTCTTTCTTTTCTTTGCGTATTTCTTTTTAAGAAATGCACT-3'